The following is an entry in ClinVar:

ClinVar aggregate classification (germline): Uncertain significance. Review status: criteria provided, multiple submitters, no conflicts (2 of 4 stars). 2 submissions from 2 submitters: Uncertain significance (2). Last evaluated 2025-06-08.

Conditions:
Gorlin syndrome. Also called: Basal cell nevus syndrome; Nevoid Basal Cell Carcinoma Syndrome. Identifiers: Orphanet 377, MedGen C0004779, MONDO:0007187.
Hereditary cancer-predisposing syndrome. Also called: Hereditary Cancer Syndrome; Tumor predisposition; Neoplastic Syndromes, Hereditary; Hereditary neoplastic syndrome. Identifiers: Orphanet 140162, MedGen C0027672, MeSH D009386, MONDO:0015356.

Allele frequency attached by ClinVar (database versions not stated): gnomAD 0.00001; TOPMed 0.00001.
gnomAD v4.1: 7 of 1,613,916 alleles (0.00043%); highest among the groups gnomAD compares: Non-Finnish European, 0.00059%; no homozygotes.

Submissions (2):

Labcorp Genetics (formerly Invitae), Labcorp
Classification: Uncertain significance for Gorlin syndrome. Last evaluated: 2025-06-08. Review status: criteria provided, single submitter. Criteria: Invitae Variant Classification Sherloc (09022015). Collection method: clinical testing. Allele origin: germline.
Comment: This sequence change replaces isoleucine, which is neutral and non-polar, with leucine, which is neutral and non-polar, at codon 342 of the PTCH1 protein (p.Ile342Leu). This variant is not present in population databases (gnomAD no frequency). This variant has not been reported in the literature in individuals affected with PTCH1-related conditions. ClinVar contains an entry for this variant (Variation ID: 650980). Invitae Evidence Modeling of protein sequence and biophysical properties (such as structural, functional, and spatial information, amino acid conservation, physicochemical variation, residue mobility, and thermodynamic stability) indicates that this missense variant is not expected to disrupt PTCH1 protein function with a negative predictive value of 95%. In summary, the available evidence is currently insufficient to determine the role of this variant in disease. Therefore, it has been classified as a Variant of Uncertain Significance.

Ambry Genetics
Classification: Uncertain significance for Hereditary cancer-predisposing syndrome. Last evaluated: 2025-03-05. Review status: criteria provided, single submitter. Criteria: Ambry Variant Classification Scheme 2023. Collection method: clinical testing. Allele origin: germline.
Comment: The p.I342L variant (also known as c.1024A>C), located in coding exon 7 of the PTCH1 gene, results from an A to C substitution at nucleotide position 1024. The isoleucine at codon 342 is replaced by leucine, an amino acid with highly similar properties. This amino acid position is highly conserved in available vertebrate species. In addition, this alteration is predicted to be deleterious by in silico analysis. Since supporting evidence is limited at this time, the clinical significance of this alteration remains unclear.

NM_000264.5(PTCH1):c.1024A>C (p.Ile342Leu)

Gene: PTCH1 (patched 1; minus strand). Cytogenetic location: 9q22.32.
Variant type: single nucleotide variant.
Coding change: c.1024A>C on transcript NM_000264.5 (MANE Select); coding-DNA position 1024, A replaced by C.
Protein change: p.Ile342Leu; replaces isoleucine 342 with leucine.
Molecular consequence: missense variant. On other transcripts: non-coding transcript variant (1).
Genome position (GRCh38, 1-based): chr9:95,480,012, T>G on the plus strand (A>C on the coding strand, the complement: PTCH1 is on the minus strand). VCF-style: chr9-95480012-T-G. GRCh37 (hg19) VCF-style: chr9-98242294-T-G.
Other names: c.826A>C, p.Ile276Leu (NM_001083602.3); c.1021A>C, p.Ile341Leu (NM_001083603.3); c.571A>C, p.Ile191Leu (NM_001083607.3, NM_001083604.3, NM_001083605.3 and 1 more transcripts); c.1024A>C, p.Ile342Leu (NM_001354918.2); short protein forms I342L, I191L, I276L, I341L.
Identifiers: ClinVar variation 650980 (VCV000650980.13), dbSNP rs1245184042, ClinGen allele CA374119643.